The following is an entry in ClinVar:

ClinVar aggregate classification (germline): Uncertain significance. Review status: criteria provided, multiple submitters, no conflicts (2 of 4 stars). 2 submissions from 2 submitters: Uncertain significance (2). Last evaluated 2025-08-01.

Conditions:
Inborn genetic diseases. Identifiers: MedGen C0950123, MeSH D030342.
Spastic paraplegia. Identifiers: MedGen C0037772, HP:0001258.

gnomAD v4.1: 1 of 1,452,308 alleles (0.000069%); highest among the groups gnomAD compares: South Asian, 0.0013%; no homozygotes.

Submissions (2):

Ambry Genetics
Classification: Uncertain significance for Inborn genetic diseases. Last evaluated: 2025-08-01. Review status: criteria provided, single submitter. Criteria: Ambry Variant Classification Scheme 2023. Collection method: clinical testing. Allele origin: germline.

Labcorp Genetics (formerly Invitae), Labcorp
Classification: Uncertain significance for Spastic paraplegia. Last evaluated: 2023-12-21. Review status: criteria provided, single submitter. Criteria: Invitae Variant Classification Sherloc (09022015). Collection method: clinical testing. Allele origin: germline.
Comment: This sequence change replaces asparagine, which is neutral and polar, with lysine, which is basic and polar, at codon 352 of the GJC2 protein (p.Asn352Lys). This variant is not present in population databases (gnomAD no frequency). This variant has not been reported in the literature in individuals affected with GJC2-related conditions. ClinVar contains an entry for this variant (Variation ID: 2132860). Advanced modeling of protein sequence and biophysical properties (such as structural, functional, and spatial information, amino acid conservation, physicochemical variation, residue mobility, and thermodynamic stability) has been performed at Invitae for this missense variant, however the output from this modeling did not meet the statistical confidence thresholds required to predict the impact of this variant on GJC2 protein function. In summary, the available evidence is currently insufficient to determine the role of this variant in disease. Therefore, it has been classified as a Variant of Uncertain Significance.

NM_020435.4(GJC2):c.1056C>G (p.Asn352Lys)

Gene: GJC2 (gap junction protein gamma 2; plus strand). Cytogenetic location: 1q42.13.
Variant type: single nucleotide variant.
Coding change: c.1056C>G on transcript NM_020435.4 (MANE Select); coding-DNA position 1056, C replaced by G.
Protein change: p.Asn352Lys; replaces asparagine 352 with lysine.
Molecular consequence: missense variant.
Genome position (GRCh38, 1-based): chr1:228,158,814, C>G. VCF-style: chr1-228158814-C-G. GRCh37 (hg19) VCF-style: chr1-228346515-C-G.
Other names: c.1056C>G (NM_020435.3); short protein forms N352K.
Identifiers: ClinVar variation 2132860 (VCV002132860.5), dbSNP rs2527878197, ClinGen allele CA345100473.